The following is an entry in ClinVar:

ClinVar aggregate classification (germline): Likely pathogenic (1 of 4 stars; one submission).

Conditions:
Glycogen storage disease IXb (GSD9B). Also called: GLYCOGENOSIS OF LIVER AND MUSCLE, AUTOSOMAL RECESSIVE; GSD IXb; PHOSPHORYLASE KINASE DEFICIENCY OF LIVER AND MUSCLE, AUTOSOMAL RECESSIVE. Identifiers: Orphanet 79240, MedGen C0543514, MONDO:0009868, OMIM 261750.

Submission:

Labcorp Genetics (formerly Invitae), Labcorp
Classification: Likely pathogenic for Glycogen storage disease IXb. Last evaluated: 2023-12-14. Review status: criteria provided, single submitter. Criteria: Invitae Variant Classification Sherloc (09022015). Collection method: clinical testing. Allele origin: germline.
Comment: This sequence change affects a donor splice site in intron 11 of the PHKB gene. It is expected to disrupt RNA splicing. Variants that disrupt the donor or acceptor splice site typically lead to a loss of protein function (PMID: 16199547), and loss-of-function variants in PHKB are known to be pathogenic (PMID: 9215682, 9326319). This variant is not present in population databases (gnomAD no frequency). This variant has not been reported in the literature in individuals affected with PHKB-related conditions. Algorithms developed to predict the effect of sequence changes on RNA splicing suggest that this variant may disrupt the consensus splice site. In summary, the currently available evidence indicates that the variant is pathogenic, but additional data are needed to prove that conclusively. Therefore, this variant has been classified as Likely Pathogenic.

Literature cited by the submitters: PubMed 16199547; PubMed 9215682; PubMed 9326319.

NM_000293.3(PHKB):c.1126+1G>T

Gene: PHKB (phosphorylase kinase regulatory subunit beta; plus strand). Cytogenetic location: 16q12.1.
Variant type: single nucleotide variant.
Coding change: c.1126+1G>T on transcript NM_000293.3 (MANE Select); the canonical splice donor site of the intron after coding-DNA position 1126, G replaced by T.
Molecular consequence: splice donor variant.
Genome position (GRCh38, 1-based): chr16:47,593,558, G>T. VCF-style: chr16-47593558-G-T. GRCh37 (hg19) VCF-style: chr16-47627469-G-T.
Other names: c.1126+1G>T (NM_001363837.1); c.1105+1G>T (NM_001031835.3).
Identifiers: ClinVar variation 2703110 (VCV002703110.3), dbSNP rs1268058356, ClinGen allele CA395797980.